The following is an entry in ClinVar:

ClinVar aggregate classification (germline): Conflicting classifications of pathogenicity. Review status: criteria provided, conflicting classifications (1 of 4 stars). 2 submissions from 2 submitters: Likely pathogenic (1); Uncertain significance (1). Last evaluated 2026-01-23.

Submissions (2):

Dasa
Classification: Uncertain significance. Last evaluated: 2026-01-23. Review status: criteria provided, single submitter. Criteria: DASA Assertion Criteria. Collection method: clinical testing. Allele origin: germline.
Comment: NM_001853.4(COL9A3):c.1685_1694del (p.Pro562Glnfs*108) is a frameshift variant in COL9A3 predicted to alter the reading frame and introduce a premature termination codon and is predicted to result in an absent or altered protein product. This variant is rare in population databases. The currently available literature and clinical evidence are not sufficient to establish a definitive association between this variant and the reported condition. Therefore, this variant is classified as a variant of uncertain significance.

Revvity Omics, Revvity
Classification: Likely pathogenic. Last evaluated: 2024-07-05. Review status: criteria provided, single submitter. Criteria: ACMG Guidelines, 2015. Collection method: clinical testing. Allele origin: germline.

NM_001853.4(COL9A3):c.1685_1694del (p.Pro562fs)

Gene: COL9A3 (collagen type IX alpha 3 chain; plus strand). Cytogenetic location: 20q13.33.
Variant type: Deletion.
Coding change: c.1685_1694del on transcript NM_001853.4 (MANE Select); coding-DNA positions 1685 to 1694, 10 bases deleted (CTGGGCCCCC; older notation c.1685_1694delCTGGGCCCCC).
Protein change: p.Pro562fs; shifts the reading frame from proline 562.
Molecular consequence: frameshift variant.
Genome position (GRCh38, 1-based): chr20:62,837,164-62,837,173, CTGGGCCCCC deleted; deleting any 10 consecutive bases within chr20:62,837,157-62,837,173 gives the same sequence; the c. name uses the placement nearest the transcript's 3' end. VCF-style (leftmost placement, unchanged base first): chr20-62837156-TGGCCCCCCTG-T. GRCh37 (hg19) VCF-style: chr20-61468508-TGGCCCCCCTG-T.
Other names: short protein forms P562fs.
Identifiers: ClinVar variation 4081282 (VCV004081282.3).